The following is an entry in ClinVar:

ClinVar aggregate classification (germline): Uncertain significance (1 of 4 stars; one submission).

Submission:

Women's Health and Genetics/Laboratory Corporation of America, LabCorp
Classification: Uncertain significance. Last evaluated: 2023-07-31. Review status: criteria provided, single submitter. Criteria: LabCorp Variant Classification Summary - May 2015. Collection method: clinical testing. Allele origin: germline.
Comment: Variant summary: ANKRD1 c.346-19_346-15delinsATA is located an an intronic splice region and could affect mRNA splicing, leading to a significantly altered protein sequence. Several computational tools predict a conflicting impact on normal splicing: One predicts the variant as having no significant impact on splicing. One predicts the variant abolishes the canonical 3' splicing acceptor site. One predicts the variant weakens the canonical 3' splicing acceptor site. However, these predictions have yet to be confirmed by functional studies. The variant was absent in 202364 control chromosomes in gnomAD database, however as it is located in a region flagged as a "low complexity region (LCR)", this evidence is insufficient to allow any conclusion about variant significance. To our knowledge, no occurrence of c.346-19_346-15delinsATA in individuals affected with Cardiomyopathy and no experimental evidence demonstrating its impact on protein function have been reported. No submitters have cited clinical-significance assessments for this variant to ClinVar after 2014. Several other flanking variants in this region are classified as benign/likely benign in the ClinVar database. Based on the evidence outlined above, the variant was classified as VUS-possibly benign.

NM_014391.3(ANKRD1):c.346-19_346-15delinsATA

Gene: ANKRD1 (ankyrin repeat domain 1; minus strand). Cytogenetic location: 10q23.31.
Variant type: Indel.
Coding change: c.346-19_346-15delinsATA on transcript NM_014391.3 (MANE Select); 19 bases into the intron before coding-DNA position 346 through 15 bases into the intron before coding-DNA position 346, TTATT replaced by ATA.
Molecular consequence: intron variant.
Genome position (GRCh38, 1-based): chr10:90,918,987-90,918,991, AATAA replaced by TAT on the plus strand (TTATT replaced by ATA on the coding strand, the reverse complement: ANKRD1 is on the minus strand). VCF-style: chr10-90918987-AATAA-TAT. GRCh37 (hg19) VCF-style: chr10-92678744-AATAA-TAT.
Identifiers: ClinVar variation 2577102 (VCV002577102.1), dbSNP rs2492960517, ClinGen allele CA2580615576.